The following is an entry in ClinVar:

ClinVar aggregate classification (germline): Uncertain significance (1 of 4 stars; one submission).

Conditions:
Mowat-Wilson syndrome (MOWS). Also called: Classic Mowat-Wilson Syndrome. Identifiers: Orphanet 2152, MedGen C1856113, MONDO:0009341, OMIM 235730.

Submission:

Labcorp Genetics (formerly Invitae), Labcorp
Classification: Uncertain significance for Mowat-Wilson syndrome. Last evaluated: 2022-08-22. Review status: criteria provided, single submitter. Criteria: Invitae Variant Classification Sherloc (09022015). Collection method: clinical testing. Allele origin: germline.
Comment: This variant is not present in population databases (gnomAD no frequency). In summary, the available evidence is currently insufficient to determine the role of this variant in disease. Therefore, it has been classified as a Variant of Uncertain Significance. Algorithms developed to predict the effect of missense changes on protein structure and function output the following: SIFT: "Tolerated"; PolyPhen-2: "Benign"; Align-GVGD: "Class C0". The serine amino acid residue is found in multiple mammalian species, which suggests that this missense change does not adversely affect protein function. This variant has not been reported in the literature in individuals affected with ZEB2-related conditions. This sequence change replaces asparagine, which is neutral and polar, with serine, which is neutral and polar, at codon 99 of the ZEB2 protein (p.Asn99Ser).

NM_014795.4(ZEB2):c.296A>G (p.Asn99Ser)

Gene: ZEB2 (zinc finger E-box binding homeobox 2; minus strand). Cytogenetic location: 2q22.3.
Variant type: single nucleotide variant.
Coding change: c.296A>G on transcript NM_014795.4 (MANE Select); coding-DNA position 296, A replaced by G.
Protein change: p.Asn99Ser; replaces asparagine 99 with serine.
Molecular consequence: missense variant.
Genome position (GRCh38, 1-based): chr2:144,429,804, T>C on the plus strand (A>G on the coding strand, the complement: ZEB2 is on the minus strand). VCF-style: chr2-144429804-T-C. GRCh37 (hg19) VCF-style: chr2-145187371-T-C.
Other names: c.296A>G, p.Asn99Ser (NM_001171653.2); short protein forms N99S.
Identifiers: ClinVar variation 2111940 (VCV002111940.4), dbSNP rs2549120612, ClinGen allele CA348718630.
Genomic context (GRCh38, chr2:144,429,804, plus strand): 5'-AGGCCAAGTGATTTTAGACACTTACCTGGACCATCTACAGAGGCTTGTAGAATCTCGTTG[T>C]TGTGCCAGGGGTGTTCCACTCCACCCTCCCTTATTTCATCTTCCTCTTCCTCTCTTGGCA-3'
Protein context (NP_055610.1, residues 89-109): REGGVEHPWH[Asn99Ser]NEILQASVDG